The following is an entry in ClinVar:

ClinVar aggregate classification (germline): Uncertain significance (1 of 4 stars; one submission).

Conditions:
Early-infantile DEE. Also called: Early infantile epileptic encephalopathy; Ohtahara syndrome; Early infantile epileptic encephalopathy with suppression bursts. Identifiers: Orphanet 1934, MedGen C0393706, MONDO:0800491.

Allele frequency attached by ClinVar (database versions not stated): gnomAD exomes below 0.00001 and 0.00001; ExAC 0.00001; gnomAD 0.00001; 1000 Genomes Project 0.00020; 1000 Genomes Project 30x 0.00031.
gnomAD v4.1: 3 of 1,613,830 alleles (0.00019%); highest among the groups gnomAD compares: Admixed American, 0.005%; no homozygotes.

Submission:

Labcorp Genetics (formerly Invitae), Labcorp
Classification: Uncertain significance for Early-infantile DEE. Last evaluated: 2023-06-23. Review status: criteria provided, single submitter. Criteria: Invitae Variant Classification Sherloc (09022015). Collection method: clinical testing. Allele origin: germline.
Comment: This sequence change replaces asparagine, which is neutral and polar, with lysine, which is basic and polar, at codon 1043 of the SCN8A protein (p.Asn1043Lys). This variant is present in population databases (rs199680789, gnomAD 0.006%). This variant has not been reported in the literature in individuals affected with SCN8A-related conditions. ClinVar contains an entry for this variant (Variation ID: 957489). Advanced modeling of protein sequence and biophysical properties (such as structural, functional, and spatial information, amino acid conservation, physicochemical variation, residue mobility, and thermodynamic stability) performed at Invitae indicates that this missense variant is not expected to disrupt SCN8A protein function. In summary, the available evidence is currently insufficient to determine the role of this variant in disease. Therefore, it has been classified as a Variant of Uncertain Significance.

NM_001330260.2(SCN8A):c.3129C>G (p.Asn1043Lys)

Gene: SCN8A (sodium voltage-gated channel alpha subunit 8; plus strand). Cytogenetic location: 12q13.13.
Variant type: single nucleotide variant.
Coding change: c.3129C>G on transcript NM_001330260.2 (MANE Select); coding-DNA position 3129, C replaced by G.
Protein change: p.Asn1043Lys; replaces asparagine 1043 with lysine.
Molecular consequence: missense variant.
Genome position (GRCh38, 1-based): chr12:51,769,092, C>G. VCF-style: chr12-51769092-C-G. GRCh37 (hg19) VCF-style: chr12-52162876-C-G.
Other names: c.3129C>G, p.Asn1043Lys (NM_001177984.3, NM_001369788.1, NM_014191.4); short protein forms N1043K.
Identifiers: ClinVar variation 957489 (VCV000957489.11), dbSNP rs199680789, ClinGen allele CA6571548.
Genomic context (GRCh38, chr12:51,769,092, plus strand): 5'-TAAGCAGCGTGAGGCTGATGAGGTGAAGCCTCTGGATGAGTTGTATGAAAAGAAGGCCAA[C>G]TGTATCGCCAATCACACCGGTGCAGACATCCACCGGAATGGTGACTTCCAGAAGAATGGC-3'
Protein context (NP_001317189.1, residues 1033-1053): PLDELYEKKA[Asn1043Lys]CIANHTGADI